The following is an entry in ClinVar:

ClinVar aggregate classification (germline): Likely pathogenic (1 of 4 stars; one submission).

Conditions:
Dilated cardiomyopathy 1G (CMD1G). Identifiers: Orphanet 154, MedGen C1858763, MONDO:0011400, OMIM 604145.
Autosomal recessive limb-girdle muscular dystrophy type 2J (LGMDR10). Also called: Limb-girdle muscular dystrophy, type 2J; MUSCULAR DYSTROPHY, LIMB-GIRDLE, AUTOSOMAL RECESSIVE 10. Identifiers: Orphanet 140922, MedGen C1837342, MONDO:0012127, OMIM 608807.

Submission:

Labcorp Genetics (formerly Invitae), Labcorp
Classification: Likely pathogenic for Dilated cardiomyopathy 1G; Autosomal recessive limb-girdle muscular dystrophy type 2J. Last evaluated: 2024-10-18. Review status: criteria provided, single submitter. Criteria: Invitae Variant Classification Sherloc (09022015). Collection method: clinical testing. Allele origin: germline.
Comment: This sequence change creates a premature translational stop signal (p.Gln4541*) in the TTN gene. While this is not anticipated to result in nonsense mediated decay, it is expected to create a truncated TTN protein. This variant is not present in population databases (gnomAD no frequency). This variant has not been reported in the literature in individuals affected with TTN-related conditions. ClinVar contains an entry for this variant (Variation ID: 1510830). This variant is located in the I band of TTN (PMID: 25589632). Truncating variants in this region have been reported in individuals affected with autosomal recessive centronuclear myopathy (PMID: 23975875, internal data). Truncating variants in this region have also been identified in individuals affected with autosomal dominant dilated cardiomyopathy and/or cardio-related conditions (PMID: 27869827, 32964742, internal data). In summary, the currently available evidence indicates that the variant is pathogenic, but additional data are needed to prove that conclusively. Therefore, this variant has been classified as Likely Pathogenic.

Literature cited by the submitters: PubMed 25589632; PubMed 23975875; PubMed 27869827; PubMed 32964742.

NM_001267550.2(TTN):c.13621C>T (p.Gln4541Ter)

Gene: TTN (titin; minus strand). Cytogenetic location: 2q31.2.
Variant type: single nucleotide variant.
Coding change: c.13621C>T on transcript NM_001267550.2 (MANE Select); coding-DNA position 13621, C replaced by T.
Protein change: p.Gln4541Ter; replaces glutamine 4541 with a stop codon.
Molecular consequence: nonsense. On other transcripts: intron variant (1).
Genome position (GRCh38, 1-based): chr2:178,739,612, G>A on the plus strand (C>T on the coding strand, the complement: TTN is on the minus strand). VCF-style: chr2-178739612-G-A. GRCh37 (hg19) VCF-style: chr2-179604339-G-A.
Other names: c.12670C>T, p.Gln4224Ter (NM_001256850.1); c.12532C>T, p.Gln4178Ter (NM_003319.4); c.12907C>T, p.Gln4303Ter (NM_133432.3); c.13108C>T, p.Gln4370Ter (NM_133437.4); c.10361-1252C>T (NM_133378.4); short protein forms Q4370*, Q4178*, Q4224*, Q4303*, Q4541*.
Identifiers: ClinVar variation 1510830 (VCV001510830.8), dbSNP rs2154317658, ClinGen allele CA349607139.